The following is an entry in ClinVar:

NM_005228.5(EGFR):c.962A>G (p.Asp321Gly)

Gene: EGFR (epidermal growth factor receptor; plus strand). Cytogenetic location: 7p11.2.
Variant type: single nucleotide variant.
Coding change: c.962A>G on transcript NM_005228.5 (MANE Select); coding-DNA position 962, A replaced by G.
Protein change: p.Asp321Gly; replaces aspartic acid 321 with glycine.
Molecular consequence: missense variant.
Genome position (GRCh38, 1-based): chr7:55,155,902, A>G. VCF-style: chr7-55155902-A-G. GRCh37 (hg19) VCF-style: chr7-55223595-A-G.
Other names: c.827A>G, p.Asp276Gly (NM_001346897.2, NM_001346899.2); c.962A>G, p.Asp321Gly (NM_001346898.2, NM_201282.2, NM_201283.2 and 1 more transcripts); c.803A>G, p.Asp268Gly (NM_001346900.2); c.161A>G, p.Asp54Gly (NM_001346941.2); short protein forms D268G, D276G, D321G, D54G.
Identifiers: ClinVar variation 4870283 (VCV004870283.1).

ClinVar aggregate classification (germline): Uncertain significance (1 of 4 stars; one submission).

Conditions:
Hereditary cancer-predisposing syndrome. Also called: Neoplastic Syndromes, Hereditary; Tumor predisposition; Hereditary Cancer Syndrome; Hereditary neoplastic syndrome. Identifiers: Orphanet 140162, MedGen C0027672, MeSH D009386, MONDO:0015356.

Submission:

Ambry Genetics
Classification: Uncertain significance for Hereditary cancer-predisposing syndrome. Last evaluated: 2026-05-27. Review status: criteria provided, single submitter. Criteria: Ambry Variant Classification Scheme 2023. Collection method: clinical testing. Allele origin: germline.
Comment: The p.D321G variant (also known as c.962A>G), located in coding exon 8 of the EGFR gene, results from an A to G substitution at nucleotide position 962. The aspartic acid at codon 321 is replaced by glycine, an amino acid with similar properties. This amino acid position is conserved. In addition, this alteration is predicted to be tolerated by in silico analysis. Based on the available evidence, the clinical significance of this variant remains unclear.